The following is an entry in ClinVar:

NM_000350.3(ABCA4):c.751T>C (p.Phe251Leu)

Gene: ABCA4 (ATP binding cassette subfamily A member 4; minus strand). Cytogenetic location: 1p22.1.
Variant type: single nucleotide variant.
Coding change: c.751T>C on transcript NM_000350.3 (MANE Select); coding-DNA position 751, T replaced by C.
Protein change: p.Phe251Leu; replaces phenylalanine 251 with leucine.
Molecular consequence: missense variant.
Genome position (GRCh38, 1-based): chr1:94,098,811, A>G on the plus strand (T>C on the coding strand, the complement: ABCA4 is on the minus strand). VCF-style: chr1-94098811-A-G. GRCh37 (hg19) VCF-style: chr1-94564367-A-G.
Other names: c.751T>C, p.Phe251Leu (NM_001425324.1); short protein forms F251L.
Identifiers: ClinVar variation 1408051 (VCV001408051.8), dbSNP rs146365399, ClinGen allele CA958753.
Genomic context (GRCh38, chr1:94,098,811, plus strand): 5'-GGAATCACCTTGCAATTGGCGAGCAGCCAAACCCCTCCCTTACCACACGGAAGAGCTTGA[A>G]GAAGTCCACGTTGGCATACAGAGTGTCTTCTATCCACTGTAGGGTGCCCTGGGAGAGGGA-3'
Protein context (NP_000341.2, residues 241-261): EDTLYANVDF[Phe251Leu]KLFRVLPTLL

ClinVar aggregate classification (germline): Uncertain significance. Review status: criteria provided, multiple submitters, no conflicts (2 of 4 stars). 2 submissions from 2 submitters: Uncertain significance (2). Last evaluated 2024-10-27.

Allele frequency attached by ClinVar (database versions not stated): gnomAD exomes 0.00001 and 0.00003; ExAC 0.00003; gnomAD 0.00004 and 0.00005; TOPMed 0.00008; ESP Exome Variant Server 0.00015.
gnomAD v4.1: 21 of 1,614,048 alleles (0.0013%); highest among the groups gnomAD compares: African/African-American, 0.015%; no homozygotes.

Submissions (2):

Labcorp Genetics (formerly Invitae), Labcorp
Classification: Uncertain significance. Last evaluated: 2024-10-27. Review status: criteria provided, single submitter. Criteria: Invitae Variant Classification Sherloc (09022015). Collection method: clinical testing. Allele origin: germline.
Comment: This sequence change replaces phenylalanine, which is neutral and non-polar, with leucine, which is neutral and non-polar, at codon 251 of the ABCA4 protein (p.Phe251Leu). This variant is present in population databases (rs146365399, gnomAD 0.02%). This variant has not been reported in the literature in individuals affected with ABCA4-related conditions. ClinVar contains an entry for this variant (Variation ID: 1408051). Invitae Evidence Modeling of protein sequence and biophysical properties (such as structural, functional, and spatial information, amino acid conservation, physicochemical variation, residue mobility, and thermodynamic stability) has been performed for this missense variant. However, the output from this modeling did not meet the statistical confidence thresholds required to predict the impact of this variant on ABCA4 protein function. In summary, the available evidence is currently insufficient to determine the role of this variant in disease. Therefore, it has been classified as a Variant of Uncertain Significance.

Blueprint Genetics
Classification: Uncertain significance. Last evaluated: 2022-09-19. Review status: criteria provided, single submitter. Criteria: ACMG Guidelines, 2015. Collection method: clinical testing. Allele origin: germline.